The following is an entry in ClinVar:

ClinVar aggregate classification (germline): Uncertain significance (1 of 4 stars; one submission).

Conditions:
DICER1-related tumor predisposition. Also called: DICER1 syndrome; DICER1-related pleuropulmonary blastoma cancer predisposition syndrome. Identifiers: Orphanet 284343, MedGen C3839822, MONDO:0100216.

Submission:

Labcorp Genetics (formerly Invitae), Labcorp
Classification: Uncertain significance for DICER1-related tumor predisposition. Last evaluated: 2020-04-27. Review status: criteria provided, single submitter. Criteria: Invitae Variant Classification Sherloc (09022015). Collection method: clinical testing. Allele origin: germline.
Comment: This sequence change replaces tyrosine with cysteine at codon 1692 of the DICER1 protein (p.Tyr1692Cys). The tyrosine residue is highly conserved and there is a large physicochemical difference between tyrosine and cysteine. This variant is not present in population databases (ExAC no frequency). This variant has not been reported in the literature in individuals with DICER1-related conditions. Algorithms developed to predict the effect of missense changes on protein structure and function (SIFT, PolyPhen-2, Align-GVGD) all suggest that this variant is likely to be disruptive, but these predictions have not been confirmed by published functional studies and their clinical significance is uncertain. In summary, the available evidence is currently insufficient to determine the role of this variant in disease. Therefore, it has been classified as a Variant of Uncertain Significance.

NM_177438.3(DICER1):c.5075A>G (p.Tyr1692Cys)

Gene: DICER1 (dicer 1, ribonuclease III; minus strand). Cytogenetic location: 14q32.13.
Variant type: single nucleotide variant.
Coding change: c.5075A>G on transcript NM_177438.3 (MANE Select); coding-DNA position 5075, A replaced by G.
Protein change: p.Tyr1692Cys; replaces tyrosine 1692 with cysteine.
Molecular consequence: missense variant.
Genome position (GRCh38, 1-based): chr14:95,095,845, T>C on the plus strand (A>G on the coding strand, the complement: DICER1 is on the minus strand). VCF-style: chr14-95095845-T-C. GRCh37 (hg19) VCF-style: chr14-95562182-T-C.
Other names: c.5075A>G, p.Tyr1692Cys (NM_001195573.1, NM_001271282.3, NM_001291628.2 and 1 more transcripts); short protein forms Y1692C.
Identifiers: ClinVar variation 1021693 (VCV001021693.10), dbSNP rs1890258380, ClinGen allele CA390865939.